The following is an entry in ClinVar:

NM_006767.4(LZTR1):c.220G>T (p.Val74Leu)

Gene: LZTR1 (leucine zipper like post translational regulator 1; plus strand). Cytogenetic location: 22q11.21.
Variant type: single nucleotide variant.
Coding change: c.220G>T on transcript NM_006767.4 (MANE Select); coding-DNA position 220, G replaced by T.
Protein change: p.Val74Leu; replaces valine 74 with leucine.
Molecular consequence: missense variant.
Genome position (GRCh38, 1-based): chr22:20,983,046, G>T. VCF-style: chr22-20983046-G-T. GRCh37 (hg19) VCF-style: chr22-21337335-G-T.
Other names: short protein forms V74L.
Identifiers: ClinVar variation 3869320 (VCV003869320.1).
Genomic context (GRCh38, chr22:20,983,046, plus strand): 5'-GAGGGTCCTGTCCTTACCGCCCTCCACTCCTTTCTTTCCAGGCGCAGCAAGCACACAGTG[G>T]TGGCCTATAAAGATGCCATTTATGTATTTGGTGGAGACAATGGGTGAGTGAGTCTCAGCA-3'
Protein context (NP_006758.2, residues 64-84): VGARRSKHTV[Val74Leu]AYKDAIYVFG

ClinVar aggregate classification (germline): Uncertain significance (1 of 4 stars; one submission).

Conditions:
Cardiovascular phenotype. Identifiers: MedGen CN230736.
Hereditary cancer-predisposing syndrome. Also called: Tumor predisposition; Neoplastic Syndromes, Hereditary; Hereditary Cancer Syndrome; Hereditary neoplastic syndrome. Identifiers: Orphanet 140162, MedGen C0027672, MeSH D009386, MONDO:0015356.

Submission:

Ambry Genetics
Classification: Uncertain significance for Cardiovascular phenotype; Hereditary cancer-predisposing syndrome. Last evaluated: 2025-02-03. Review status: criteria provided, single submitter. Criteria: Ambry Variant Classification Scheme 2023. Collection method: clinical testing. Allele origin: germline.
Comment: The p.V74L variant (also known as c.220G>T), located in coding exon 2 of the LZTR1 gene, results from a G to T substitution at nucleotide position 220. The valine at codon 74 is replaced by leucine, an amino acid with highly similar properties. This amino acid position is conserved. In addition, this alteration is predicted to be deleterious by in silico analysis. Based on the available evidence, the clinical significance of this variant remains unclear.